The following is an entry in ClinVar:

NM_006031.6(PCNT):c.6749C>T (p.Ala2250Val)

Gene: PCNT (pericentrin; plus strand). Cytogenetic location: 21q22.3.
Variant type: single nucleotide variant.
Coding change: c.6749C>T on transcript NM_006031.6 (MANE Select); coding-DNA position 6749, C replaced by T.
Protein change: p.Ala2250Val; replaces alanine 2250 with valine.
Molecular consequence: missense variant.
Genome position (GRCh38, 1-based): chr21:46,416,667, C>T. VCF-style: chr21-46416667-C-T. GRCh37 (hg19) VCF-style: chr21-47836581-C-T.
Other names: c.6395C>T, p.Ala2132Val (NM_001315529.2); short protein forms A2132V, A2250V.
Identifiers: ClinVar variation 4977240 (VCV004977240.1).

ClinVar aggregate classification (germline): Uncertain significance (1 of 4 stars; one submission).

Conditions:
PCNT-related disorder. Also called: PCNT-related condition.

Submission:

PreventionGenetics, part of Exact Sciences
Classification: Uncertain significance for PCNT-related condition. Last evaluated: 2025-02-20. Review status: criteria provided, single submitter. Criteria: ACMG Guidelines, 2015. Collection method: clinical testing. Allele origin: germline.
Comment: The PCNT c.6749C>T variant is predicted to result in the amino acid substitution p.Ala2250Val. To our knowledge, this variant has not been reported in the literature or in a large population database (gnomAD), indicating this variant is rare. At this time, the clinical significance of this variant is uncertain due to the absence of conclusive functional and genetic evidence.